The following is an entry in ClinVar:

ClinVar aggregate classification (germline): Uncertain significance (1 of 4 stars; one submission).

Conditions:
Developmental and epileptic encephalopathy, 30 (DEE30). Also called: Epileptic encephalopathy, early infantile, 30. Identifiers: MedGen C4225360, MONDO:0014595, OMIM 616341.

Submission:

Labcorp Genetics (formerly Invitae), Labcorp
Classification: Uncertain significance for Developmental and epileptic encephalopathy, 30. Last evaluated: 2024-11-13. Review status: criteria provided, single submitter. Criteria: Invitae Variant Classification Sherloc (09022015). Collection method: clinical testing. Allele origin: germline.
Comment: This sequence change replaces arginine, which is basic and polar, with glycine, which is neutral and non-polar, at codon 265 of the SIK1 protein (p.Arg265Gly). This variant is not present in population databases (gnomAD no frequency). This variant has not been reported in the literature in individuals affected with SIK1-related conditions. An algorithm developed to predict the effect of missense changes on protein structure and function (PolyPhen-2) suggests that this variant is likely to be tolerated. In summary, the available evidence is currently insufficient to determine the role of this variant in disease. Therefore, it has been classified as a Variant of Uncertain Significance.

NM_173354.5(SIK1):c.793A>G (p.Arg265Gly)

Gene: SIK1 (salt inducible kinase 1; minus strand). Cytogenetic location: 21q22.3.
Variant type: single nucleotide variant.
Coding change: c.793A>G on transcript NM_173354.5 (MANE Select); coding-DNA position 793, A replaced by G.
Protein change: p.Arg265Gly; replaces arginine 265 with glycine.
Molecular consequence: missense variant.
Genome position (GRCh38, 1-based): chr21:43,420,413, T>C on the plus strand (A>G on the coding strand, the complement: SIK1 is on the minus strand). VCF-style: chr21-43420413-T-C. GRCh37 (hg19) VCF-style: chr21-44840293-T-C.
Other names: short protein forms R265G.
Identifiers: ClinVar variation 3725195 (VCV003725195.2).